The following continues an entry in ClinVar:

NM_007294.4(BRCA1):c.4039A>G (p.Arg1347Gly)

ClinVar aggregate classification (germline): Benign. Benign (1).

Submissions 18 to 50 of 50:

Illumina Laboratory Services, Illumina
Classification: Uncertain significance for Breast-ovarian cancer, familial, susceptibility to, 1. Last evaluated: 2017-04-27. Review status: criteria provided, single submitter. Criteria: ICSL Variant Classification Criteria 13 December 2019. Collection method: clinical testing. Allele origin: germline. Not counted in ClinVar's aggregate classification.
Comment: This variant was observed as part of a predisposition screen in an ostensibly healthy population. A literature search was performed for the gene, cDNA change, and amino acid change (where applicable). Publications were found based on this search. However, the evidence from the literature, in combination with allele frequency data from public databases where available, was not sufficient to rule this variant in or out of causing disease. Therefore, this variant is classified as a variant of unknown significance.

Department of Pathology and Molecular Medicine, Queen's University
Classification: Benign. Last evaluated: 2017-04-20. Review status: criteria provided, single submitter. Criteria: ACMG Guidelines, 2015. Collection method: clinical testing. Allele origin: germline. Study: The Canadian Open Genetics Repository (COGR). Not counted in ClinVar's aggregate classification.

Cancer Genetics and Genomics Laboratory, British Columbia Cancer Agency
Classification: Benign. Last evaluated: 2017-04-18. Review status: criteria provided, single submitter. Criteria: ACMG Guidelines, 2015. Collection method: clinical testing. Allele origin: germline. Study: The Canadian Open Genetics Repository (COGR). Not counted in ClinVar's aggregate classification.

Baylor Genetics
Classification: Benign for Familial cancer of breast. Last evaluated: 2017-02-23. Review status: criteria provided, single submitter. Criteria: ACMG Guidelines, 2015. Collection method: clinical testing. Allele origin: germline. Inheritance: Autosomal dominant inheritance. Affected: no. Not counted in ClinVar's aggregate classification.

PreventionGenetics, part of Exact Sciences
Classification: Benign. Last evaluated: 2017-02-20. Review status: criteria provided, single submitter. Criteria: ACMG Guidelines, 2015. Collection method: clinical testing. Allele origin: germline. Not counted in ClinVar's aggregate classification.

Institute for Biomarker Research, Medical Diagnostic Laboratories, L.L.C.
Classification: Likely benign for Hereditary breast ovarian cancer syndrome. Last evaluated: 2016-04-25. Review status: criteria provided, single submitter. Criteria: ACMG Guidelines, 2015. Collection method: clinical testing. Allele origin: germline. Not counted in ClinVar's aggregate classification.

Center for Pediatric Genomic Medicine, Children's Mercy Hospital and Clinics
Classification: Likely benign. Last evaluated: 2016-04-18. Review status: criteria provided, single submitter. Criteria: ACMG Guidelines, 2015. Collection method: clinical testing. Allele origin: germline. Not counted in ClinVar's aggregate classification.
ClinVar note: Converted during submission from Likely Benign to Likely benign.

Laboratory for Molecular Medicine, Mass General Brigham Personalized Medicine
Classification: Likely benign. Last evaluated: 2016-03-29. Review status: criteria provided, single submitter. Criteria: LMM Criteria. Collection method: clinical testing. Allele origin: germline. Not counted in ClinVar's aggregate classification.
Comment: Variant identified in a genome or exome case(s) and assessed due to predicted null impact of the variant or pathogenic assertions in the literature or databases. Disclaimer: This variant has not undergone full assessment. The following are preliminary notes: ExAC: 0.6% (430/66720) European chromosomes, 2 homozygotes; ClinVar: 8 labs classify as B/LB

Vantari Genetics
Classification: Benign for Hereditary cancer-predisposing syndrome. Last evaluated: 2016-01-18. Review status: criteria provided, single submitter. Criteria: ACMG Guidelines, 2015. Collection method: clinical testing. Allele origin: germline. Not counted in ClinVar's aggregate classification.

Color Diagnostics, LLC DBA Color Health
Classification: Benign for Hereditary cancer-predisposing syndrome. Last evaluated: 2015-10-13. Review status: criteria provided, single submitter. Criteria: ACMG Guidelines, 2015. Collection method: clinical testing. Allele origin: germline. Not counted in ClinVar's aggregate classification.

Clinical Genetics DNA and cytogenetics Diagnostics Lab, Erasmus MC, Erasmus Medical Center
Classification: Benign for Breast-ovarian cancer, familial, susceptibility to, 1. Last evaluated: 2015-09-21. Review status: criteria provided, single submitter. Criteria: ACGS Guidelines, 2013. Collection method: clinical testing. Allele origin: germline. Affected: yes. Study: VKGL Data-share Consensus. Not counted in ClinVar's aggregate classification.

Ambry Genetics
Classification: Benign for Hereditary cancer-predisposing syndrome. Last evaluated: 2014-11-18. Review status: criteria provided, single submitter. Criteria: Ambry Variant Classification Scheme 2023. Collection method: clinical testing. Allele origin: germline. Not counted in ClinVar's aggregate classification.

Molecular Genetics Laboratory, University of Michigan
Classification: Benign for Breast-ovarian cancer, familial, susceptibility to, 1. Last evaluated: 2014-11-03. Review status: criteria provided, single submitter. Criteria: ACMG Guidelines, 2015. Collection method: clinical testing. Allele origin: germline. Affected: yes. Not counted in ClinVar's aggregate classification.

GeneDx
Classification: Benign. Last evaluated: 2014-10-10. Review status: criteria provided, single submitter. Criteria: GeneDx Variant Classification (06012015). Collection method: clinical testing. Allele origin: germline. Affected: yes. Not counted in ClinVar's aggregate classification.
Comment: This variant is considered likely benign or benign based on one or more of the following criteria: it is a conservative change, it occurs at a poorly conserved position in the protein, it is predicted to be benign by multiple in silico algorithms, and/or has population frequency not consistent with disease.

Genome Diagnostics Laboratory, University Medical Center Utrecht
Classification: Benign for Breast-ovarian cancer, familial, susceptibility to, 1. Last evaluated: 2014-10-09. Review status: criteria provided, single submitter. Criteria: ACGS Guidelines, 2013. Collection method: clinical testing. Allele origin: germline. Affected: yes. Study: VKGL Data-share Consensus. Not counted in ClinVar's aggregate classification.

Eurofins Ntd Llc (ga)
Classification: Benign. Last evaluated: 2014-05-01. Review status: criteria provided, single submitter. Criteria: EGL Classification Definitions 2015. Collection method: clinical testing. Allele origin: germline. Observed: 1 variant allele, 1 heterozygote. Not counted in ClinVar's aggregate classification.

Women's Health and Genetics/Laboratory Corporation of America, LabCorp
Classification: Benign for Hereditary breast ovarian cancer syndrome. Last evaluated: 2014-02-24. Review status: criteria provided, single submitter. Criteria: LabCorp Variant Classification Summary - May 2015. Collection method: clinical testing. Allele origin: germline. Not counted in ClinVar's aggregate classification.

Breakthrough Genomics
Classification: Benign. Review status: criteria provided, single submitter. Criteria: ACMG Guidelines, 2015. Collection method: not provided. Allele origin: germline. Inheritance: Autosomal recessive inheritance. Affected: yes. Not counted in ClinVar's aggregate classification.

BRCAlab, Lund University
Classification: Benign for Breast-ovarian cancer, familial, susceptibility to, 1. Last evaluated: 2020-03-02. Review status: no assertion criteria provided. Collection method: clinical testing. Allele origin: germline. Affected: yes. Not counted in ClinVar's aggregate classification.

True Health Diagnostics
Classification: Likely benign for Hereditary cancer-predisposing syndrome. Last evaluated: 2017-07-17. Review status: no assertion criteria provided. Collection method: clinical testing. Allele origin: germline. Not counted in ClinVar's aggregate classification.

Mayo Clinic Laboratories, Mayo Clinic
Classification: Likely benign. Last evaluated: 2017-03-31. Review status: no assertion criteria provided. Collection method: clinical testing. Allele origin: unknown. Not counted in ClinVar's aggregate classification.

Pathway Genomics
Classification: Benign for hereditary breast and ovarian cancer, BROVCA1. Last evaluated: 2014-07-24. Review status: no assertion criteria provided. Collection method: literature only. Allele origin: germline. Not counted in ClinVar's aggregate classification.

Research Molecular Genetics Laboratory, Women's College Hospital, University of Toronto
Classification: Benign. Last evaluated: 2014-01-31. Review status: no assertion criteria provided. Collection method: research. Allele origin: germline. Affected: yes. Study: The Canadian Open Genetics Repository (COGR). Not counted in ClinVar's aggregate classification.

Counsyl
Classification: Likely benign for Breast-ovarian cancer, familial 1. Last evaluated: 2014-01-02. Review status: no assertion criteria provided. Collection method: literature only. Allele origin: unknown. Inheritance: Autosomal dominant inheritance. Not counted in ClinVar's aggregate classification.

ITMI
No classification provided. Condition: AllHighlyPenetrant. Last evaluated: 2013-09-19. Review status: no classification provided. Collection method: reference population. Allele origin: germline. Not counted in ClinVar's aggregate classification.
Comment: Please see associated publication for description of ethnicities

Biesecker Lab/Clinical Genomics Section, National Institutes of Health
Classification: Uncertain significance. Last evaluated: 2012-07-13. Review status: no assertion criteria provided. Collection method: research. Allele origin: germline. Affected: no. Observed: 4 variant alleles. Study: ClinSeq. Not counted in ClinVar's aggregate classification.
ClinVar note: Converted during submission from variant of unknown significance to Uncertain significance.

Sharing Clinical Reports Project (SCRP)
Classification: Benign for Breast-ovarian cancer, familial 1. Last evaluated: 2011-03-09. Review status: no assertion criteria provided. Collection method: clinical testing. Allele origin: germline. Not counted in ClinVar's aggregate classification.

Breast Cancer Information Core (BIC) (BRCA1)
Classification: Uncertain significance for Breast-ovarian cancer, familial 1. Last evaluated: 1999-12-30. Review status: no assertion criteria provided. Collection method: clinical testing. Allele origin: germline, unknown. Affected: yes. Observed: 705 variant alleles. Not counted in ClinVar's aggregate classification.

Clinical Genetics Laboratory, Department of Pathology, Netherlands Cancer Institute
Classification: Benign. Review status: no assertion criteria provided. Collection method: clinical testing. Allele origin: germline. Affected: yes. Study: VKGL Data-share Consensus. Not counted in ClinVar's aggregate classification.

Department of Pathology and Laboratory Medicine, Sinai Health System
Classification: Benign. Review status: no assertion criteria provided. Collection method: clinical testing. Allele origin: unknown. Affected: yes. Study: The Canadian Open Genetics Repository (COGR). Not counted in ClinVar's aggregate classification.
Comment: The p.Arg1347Gly variant is not expected to have clinical significance because it has been reported 44 times (in heterozygozous or homozygous form) with co-occurrence in individuals with known deleterious mutation in the BRCA1 gene (Tavtigian_2006_16014699). This variant is also reported in dbSNP (rs28897689) with an average heterozygosity of 0.010+/-0.068. Pathogenic variants have been reported as co-occuring with this variant: BRCA1 (1) c.5077_5080delinsTTCATTCTGC (p.Asp1692_Ala1693insPheIle) (2) c.2617dup (p.Ser873PhefsX30) (3) c.IVS5+3A>G (c.212+3A>G) AND BRCA2 (c.1420delC (p.Glu475AsnfsX10)), increasing the likelihood the p.Arg1347 variant does not have clinical significance. Based on the above information this variant is considered benign.

Diagnostic Laboratory, Department of Genetics, University Medical Center Groningen
Classification: Benign for Breast-ovarian cancer, familial, susceptibility to, 1. Review status: no assertion criteria provided. Collection method: clinical testing. Allele origin: germline. Affected: yes. Study: VKGL Data-share Consensus. Not counted in ClinVar's aggregate classification.

Joint Genome Diagnostic Labs from Nijmegen and Maastricht, Radboudumc and MUMC+
Classification: Benign. Review status: no assertion criteria provided. Collection method: clinical testing. Allele origin: germline. Affected: yes. Study: VKGL Data-share Consensus. Not counted in ClinVar's aggregate classification.

Laboratory of Diagnostic Genome Analysis, Leiden University Medical Center (LUMC)
Classification: Benign. Review status: no assertion criteria provided. Collection method: clinical testing. Allele origin: germline. Affected: yes. Study: VKGL Data-share Consensus. Not counted in ClinVar's aggregate classification.

Literature cited by the submitters: PubMed 21990134 (cited by Evidence-based Network for the Interpretation of Germline Mutant Alleles (ENIGMA) and Women's Health and Genetics/Laboratory Corporation of America, LabCorp); DOI 10.3389/fgene.2022.834265 (cited by National Health Laboratory Service, Universitas Academic Hospital and University of the Free State); PubMed 36329109 (cited by Genetics Program, Instituto Nacional de Cancer); PubMed 12215251 (cited by 4 submitters); PubMed 21232165 (cited by Illumina Laboratory Services, Illumina); PubMed 8776600 (cited by Illumina Laboratory Services, Illumina and Women's Health and Genetics/Laboratory Corporation of America, LabCorp); PubMed 21965345 (cited by Women's Health and Genetics/Laboratory Corporation of America, LabCorp); PubMed 16014699 (cited by Women's Health and Genetics/Laboratory Corporation of America, LabCorp and Pathway Genomics); PubMed 20104584 (cited by Women's Health and Genetics/Laboratory Corporation of America, LabCorp); PubMed 15235020 (cited by Women's Health and Genetics/Laboratory Corporation of America, LabCorp and Counsyl); PubMed 21520273 (cited by Women's Health and Genetics/Laboratory Corporation of America, LabCorp and Counsyl); PubMed 21702907 (cited by Women's Health and Genetics/Laboratory Corporation of America, LabCorp and Counsyl); PubMed 22995991 (cited by Counsyl); PubMed 24728327 (cited by ITMI).